The following is an entry in ClinVar:

ClinVar aggregate classification (germline): Likely benign. Review status: criteria provided, multiple submitters, no conflicts (2 of 4 stars). 2 submissions from 2 submitters: Likely benign (2). Last evaluated 2022-10-27.

Conditions:
Severe early-onset pulmonary alveolar proteinosis due to MARS deficiency. Also called: PULMONARY ALVEOLAR PROTEINOSIS, REUNION ISLAND; Interstitial lung and liver disease. Identifiers: Orphanet 440427, MedGen C4225400, MONDO:0014206, OMIM 615486.
Charcot-Marie-Tooth disease axonal type 2U. Also called: CHARCOT-MARIE-TOOTH DISEASE, AXONAL, AUTOSOMAL DOMINANT, TYPE 2U; CHARCOT-MARIE-TOOTH NEUROPATHY, TYPE 2U. Identifiers: Orphanet 397735, MedGen C4084821, MONDO:0014566, OMIM 616280.

Allele frequency attached by ClinVar (database versions not stated): gnomAD exomes below 0.00001.
gnomAD v4.1: 1 of 1,613,670 alleles (0.000062%); highest among the groups gnomAD compares: Admixed American, 0.0017%; no homozygotes.

Submissions (2):

Labcorp Genetics (formerly Invitae), Labcorp
Classification: Likely benign for Charcot-Marie-Tooth disease axonal type 2U; Severe early-onset pulmonary alveolar proteinosis due to MARS deficiency. Last evaluated: 2022-10-27. Review status: criteria provided, single submitter. Criteria: Invitae Variant Classification Sherloc (09022015). Collection method: clinical testing. Allele origin: germline.

GeneDx
Classification: Likely benign. Last evaluated: 2017-09-15. Review status: criteria provided, single submitter. Criteria: GeneDx Variant Classification (06012015). Collection method: clinical testing. Allele origin: germline. Affected: yes.
Comment: This variant is considered likely benign or benign based on one or more of the following criteria: it is a conservative change, it occurs at a poorly conserved position in the protein, it is predicted to be benign by multiple in silico algorithms, and/or has population frequency not consistent with disease.

NM_004990.4(MARS1):c.664-12C>T

Gene: MARS1 (methionyl-tRNA synthetase 1; plus strand). Cytogenetic location: 12q13.3.
Variant type: single nucleotide variant.
Coding change: c.664-12C>T on transcript NM_004990.4 (MANE Select); 12 bases into the intron before coding-DNA position 664, C replaced by T.
Molecular consequence: intron variant.
Genome position (GRCh38, 1-based): chr12:57,490,526, C>T. VCF-style: chr12-57490526-C-T. GRCh37 (hg19) VCF-style: chr12-57884309-C-T.
Identifiers: ClinVar variation 511696 (VCV000511696.4), dbSNP rs1233946450, ClinGen allele CA605705148.